The following is an entry in ClinVar:

NM_001197104.2(KMT2A):c.10087G>A (p.Gly3363Arg)

Gene: KMT2A (lysine methyltransferase 2A; plus strand). Cytogenetic location: 11q23.3.
Variant type: single nucleotide variant.
Coding change: c.10087G>A on transcript NM_001197104.2 (MANE Select); coding-DNA position 10087, G replaced by A.
Protein change: p.Gly3363Arg; replaces glycine 3363 with arginine.
Molecular consequence: missense variant.
Genome position (GRCh38, 1-based): chr11:118,505,979, G>A. VCF-style: chr11-118505979-G-A. GRCh37 (hg19) VCF-style: chr11-118376694-G-A.
Other names: c.10177G>A, p.Gly3393Arg (NM_001412597.1); c.10078G>A, p.Gly3360Arg (NM_005933.4); short protein forms G3360R, G3363R, G3393R.
Identifiers: ClinVar variation 1939666 (VCV001939666.5), dbSNP rs797025089, ClinGen allele CA382822619.

ClinVar aggregate classification (germline): Uncertain significance (1 of 4 stars; one submission).

Allele frequency attached by ClinVar (database versions not stated): gnomAD exomes below 0.00001; gnomAD 0.00001.
gnomAD v4.1: 3 of 1,614,136 alleles (0.00019%); highest among the groups gnomAD compares: Non-Finnish European, 0.00025%; no homozygotes.

Submission:

Labcorp Genetics (formerly Invitae), Labcorp
Classification: Uncertain significance. Last evaluated: 2022-09-01. Review status: criteria provided, single submitter. Criteria: Invitae Variant Classification Sherloc (09022015). Collection method: clinical testing. Allele origin: germline.
Comment: This sequence change replaces glycine, which is neutral and non-polar, with arginine, which is basic and polar, at codon 3363 of the KMT2A protein (p.Gly3363Arg). In summary, the available evidence is currently insufficient to determine the role of this variant in disease. Therefore, it has been classified as a Variant of Uncertain Significance. Advanced modeling of protein sequence and biophysical properties (such as structural, functional, and spatial information, amino acid conservation, physicochemical variation, residue mobility, and thermodynamic stability) performed at Invitae indicates that this missense variant is expected to disrupt KMT2A protein function. This variant has not been reported in the literature in individuals affected with KMT2A-related conditions. This variant is not present in population databases (gnomAD no frequency).